The following is an entry in ClinVar:

NM_015205.3(ATP11A):c.*185G>T

Gene: ATP11A (ATPase phospholipid transporting 11A; plus strand). Cytogenetic location: 13q34.
Variant type: single nucleotide variant.
Coding change: c.*185G>T on transcript NM_015205.3 (MANE Select); 185 bases downstream of the stop codon, G replaced by T.
Molecular consequence: 3 prime UTR variant. On other transcripts: missense variant (3).
Genome position (GRCh38, 1-based): chr13:112,882,051, G>T. VCF-style: chr13-112882051-G-T. GRCh37 (hg19) VCF-style: chr13-113536365-G-T.
Other names: c.3566G>T, p.Gly1189Val (NM_001405661.1); c.3503G>T, p.Gly1168Val (NM_001405662.1); c.*187G>T (NM_001405663.1); c.3563G>T, p.Gly1188Val (NM_032189.4); short protein forms G1168V, G1188V, G1189V.
Identifiers: ClinVar variation 3048838 (VCV003048838.2), dbSNP rs148734980, ClinGen allele CA7057695.
Genomic context (GRCh38, chr13:112,882,051, plus strand): 5'-GCGGTTCCCATCACCACTGCAGTTCCATCCCAAGTCACAGCTGCCCTAGGTCCCGTGTGG[G>T]AATGCTCGTGTGATGGATGGTCCTAAGCCTGTGGAGACTGTGCACGTGCCTCTTCCTGGC-3'

ClinVar aggregate classification (germline): Likely benign (0 of 4 stars; one submission).

Conditions:
ATP11A-related disorder. Also called: ATP11A-related condition.

Allele frequency attached by ClinVar (database versions not stated): ExAC 0.00022; 1000 Genomes Project 30x 0.00031; gnomAD 0.00031; TOPMed 0.00034; 1000 Genomes Project 0.00040; ESP Exome Variant Server 0.00062; gnomAD exomes 0.00078.
gnomAD v4.1: 972 of 1,367,702 alleles (0.071%); highest among the groups gnomAD compares: Non-Finnish European, 0.093%; 4 homozygotes.

Submission:

PreventionGenetics, part of Exact Sciences
Classification: Likely benign for ATP11A-related condition. Last evaluated: 2023-09-20. Review status: no assertion criteria provided. Collection method: clinical testing. Allele origin: germline.
Comment: This variant is classified as likely benign based on ACMG/AMP sequence variant interpretation guidelines (Richards et al. 2015 PMID: 25741868, with internal and published modifications).